The following is an entry in ClinVar:

ClinVar aggregate classification (germline): Uncertain significance (1 of 4 stars; one submission).

Allele frequency attached by ClinVar (database versions not stated): ExAC 0.00001; gnomAD 0.00001; gnomAD exomes 0.00001; TOPMed 0.00002.
gnomAD v4.1: 6 of 1,613,800 alleles (0.00037%); highest among the groups gnomAD compares: Non-Finnish European, 0.00042%; no homozygotes.

Submission:

Labcorp Genetics (formerly Invitae), Labcorp
Classification: Uncertain significance. Last evaluated: 2025-08-31. Review status: criteria provided, single submitter. Criteria: Invitae Variant Classification Sherloc (09022015). Collection method: clinical testing. Allele origin: germline.
Comment: This sequence change falls in intron 21 of the ARHGEF10 gene. It does not directly change the encoded amino acid sequence of the ARHGEF10 protein. It affects a nucleotide within the consensus splice site. This variant is present in population databases (rs780197260, gnomAD 0.0009%). This variant has not been reported in the literature in individuals affected with ARHGEF10-related conditions. ClinVar contains an entry for this variant (Variation ID: 2170245). Variants that disrupt the consensus splice site are a relatively common cause of aberrant splicing (PMID: 17576681, 9536098). Algorithms developed to predict the effect of sequence changes on RNA splicing suggest that this variant is not likely to affect RNA splicing. In summary, the available evidence is currently insufficient to determine the role of this variant in disease. Therefore, it has been classified as a Variant of Uncertain Significance.

Literature cited by the submitters: PubMed 17576681; PubMed 9536098.

NM_014629.4(ARHGEF10):c.2488+3A>G

Gene: ARHGEF10 (Rho guanine nucleotide exchange factor 10; plus strand). Cytogenetic location: 8p23.3.
Variant type: single nucleotide variant.
Coding change: c.2488+3A>G on transcript NM_014629.4 (MANE Select); 3 bases into the intron after coding-DNA position 2488, A replaced by G.
Molecular consequence: intron variant.
Genome position (GRCh38, 1-based): chr8:1,923,877, A>G. VCF-style: chr8-1923877-A-G. GRCh37 (hg19) VCF-style: chr8-1872043-A-G.
Other names: c.2371+3A>G (NM_001438092.1, NM_001438093.1); c.2491+3A>G (NM_001438091.1); c.2374+3A>G (NM_001308152.2, NM_001438094.1); c.2488+3A>G (NM_001308153.3).
Identifiers: ClinVar variation 2170245 (VCV002170245.4), dbSNP rs780197260, ClinGen allele CA4600890.
Genomic context (GRCh38, chr8:1,923,877, plus strand): 5'-ACCCCTGCCATCAAGGAGTCCTGGGTCAACAGCTTACAGATGGCCAAGCTCGCCCTAGGT[A>G]AGGCCTGGCTGGCTGAGGCTGAATGAGGCATGCGGCGTGATGATGAATTCCTGCCCACGA-3'